The following is an entry in ClinVar:

NM_001135998.3(NDUFB11):c.385C>T (p.Arg129Ter)

Gene: NDUFB11 (NADH:ubiquinone oxidoreductase subunit B11; minus strand). Cytogenetic location: Xp11.3.
Variant type: single nucleotide variant.
Coding change: c.385C>T on transcript NM_001135998.3 (MANE Select); coding-DNA position 385, C replaced by T.
Protein change: p.Arg129Ter; replaces arginine 129 with a stop codon.
Molecular consequence: nonsense.
Genome position (GRCh38, 1-based): chrX:47,142,394, G>A on the plus strand (C>T on the coding strand, the complement: NDUFB11 is on the minus strand). VCF-style: chrX-47142394-G-A. GRCh37 (hg19) VCF-style: chrX-47001793-G-A.
Other names: c.415C>T, p.Arg139Ter (NM_019056.7); short protein forms R129*, R139*.
Identifiers: ClinVar variation 2584528 (VCV002584528.2), dbSNP rs1556760603, ClinGen allele CA412780211.

ClinVar aggregate classification (germline): Likely pathogenic. Review status: criteria provided, multiple submitters, no conflicts (2 of 4 stars). 2 submissions from 2 submitters: Likely pathogenic (2). Last evaluated 2023-08-08.

Conditions:
Linear skin defects with multiple congenital anomalies 3 (LSDMCA3). Also called: LINEAR SKIN DEFECTS WITH CARDIOMYOPATHY AND OTHER CONGENITAL ANOMALIES. Identifiers: Orphanet 2556, MedGen C4225421, MONDO:0010494, OMIM 300952.
NDUFB11-related disorders. Also called: NDUFB11-related condition; NDUFB11-related disorder. Identifiers: MedGen CN378754, MONDO:1040023.

Submissions (2):

PreventionGenetics, part of Exact Sciences
Classification: Likely pathogenic for NDUFB11-related condition. Last evaluated: 2023-08-08. Review status: criteria provided, single submitter. Criteria: ACMG Guidelines, 2015. Collection method: clinical testing. Allele origin: germline.
Comment: The NDUFB11 c.415C>T variant is predicted to result in premature protein termination (p.Arg139*). This variant is located in the last exon of NDUFB11; therefore, it is unknown if the resulting mRNA would result in nonsense-mediated decay. However, at least one other protein-truncating variant was described on the last exon in an individual who presented with NDUFB11-related disease (van Rahden et al. 2015. PubMed ID: 25772934). To our knowledge, this variant has not been reported in the literature or in a large population database, indicating this variant is rare. Note that variable clinical features have been described in patients with NDUFB11-related disease (see, for example, Rea et al. 2017. PubMed ID: 28050600; Amate-Garcia et al. 2023. PubMed ID: 36675256). Taken together, we classify this variant as likely pathogenic.

Rady Children's Institute for Genomic Medicine, Rady Children's Hospital San Diego
Classification: Likely pathogenic for LINEAR SKIN DEFECTS WITH MULTIPLE CONGENITAL ANOMALIES 3. Review status: criteria provided, single submitter. Criteria: ACMG Guidelines, 2015. Collection method: clinical testing. Allele origin: germline. Affected: yes.
Comment: This nonsense variant found in exon 3 of 3 is predicted to alter the protein product but is not expected to trigger nonsense-mediated mRNA decay. This variant has not been previously reported or functionally characterized in the literature to our knowledge. It is absent from the gnomAD population database and thus presumed to be rare. Analysis of the parental samples was negative for the variant, indicating this variant likely occurred as a de novo event. Based on the available evidence, the c.415C>T (p.Arg139Ter) variant is classified as Likely Pathogenic.